The following is an entry in ClinVar:

NM_000091.5(COL4A3):c.1038T>A (p.Tyr346Ter)

Genes: COL4A3 (collagen type IV alpha 3 chain; plus strand), MFF-DT (MFF divergent transcript; minus strand). Cytogenetic location: 2q36.3.
Variant type: single nucleotide variant.
Coding change: c.1038T>A on transcript NM_000091.5 (MANE Select); coding-DNA position 1038, T replaced by A.
Protein change: p.Tyr346Ter; replaces tyrosine 346 with a stop codon.
Molecular consequence: nonsense.
Genome position (GRCh38, 1-based): chr2:227,259,801, T>A. VCF-style: chr2-227259801-T-A. GRCh37 (hg19) VCF-style: chr2-228124517-T-A.
Other names: short protein forms Y346*.
Identifiers: ClinVar variation 2681738 (VCV002681738.2), dbSNP rs2469606943.
Genomic context (GRCh38, chr2:227,259,801, plus strand): 5'-GCTGTCCATAAATAGCTATCCTTTCTCTGTATTTGTTTCTTTCTCCTCTAAGACAGAATA[T>A]TATGACACATACCAGGAAAAGGGAGATGAAGGCACTCCAGGCCCACCAGGGCCCAGAGGA-3'

ClinVar aggregate classification (germline): Likely pathogenic (1 of 4 stars; one submission).

Conditions:
Autosomal dominant Alport syndrome (ATS3A). Also called: ALPORT SYNDROME 3A, AUTOSOMAL DOMINANT; Alport syndrome dominant type; Renal failure and sensorineural hearing loss. Identifiers: Orphanet 63, Orphanet 88918, MedGen C5882663, MONDO:0007086, OMIM 104200.

Submission:

Precision Medicine Center, Zhengzhou University
Classification: Likely pathogenic for Autosomal dominant Alport syndrome. Last evaluated: 2023-12-01. Review status: criteria provided, single submitter. Criteria: ACMG Guidelines, 2015. Collection method: clinical testing. Allele origin: paternal. Affected: yes.
Comment: PVS1,PM2_p

Literature cited by the submitters: PubMed 22887978.